The following is an entry in ClinVar:

NM_002485.5(NBN):c.842T>G (p.Leu281Ter)

Gene: NBN (nibrin; minus strand). Cytogenetic location: 8q21.3.
Variant type: single nucleotide variant.
Coding change: c.842T>G on transcript NM_002485.5 (MANE Select); coding-DNA position 842, T replaced by G.
Protein change: p.Leu281Ter; replaces leucine 281 with a stop codon.
Molecular consequence: nonsense.
Genome position (GRCh38, 1-based): chr8:89,970,418, A>C on the plus strand (T>G on the coding strand, the complement: NBN is on the minus strand). VCF-style: chr8-89970418-A-C. GRCh37 (hg19) VCF-style: chr8-90982646-A-C.
Other names: c.596T>G, p.Leu199Ter (NM_001024688.3); short protein forms L281*, L199*.
Identifiers: ClinVar variation 190228 (VCV000190228.27), dbSNP rs786205135, ClinGen allele CA334800.

ClinVar aggregate classification (germline): Pathogenic. Review status: criteria provided, multiple submitters, no conflicts (2 of 4 stars). 9 submissions from 9 submitters: Pathogenic (7). 2 of the submissions do not count toward it. Last evaluated 2024-10-03.

Conditions:
NBN-related disorder. Also called: NBN-related condition.
Aplastic anemia. Identifiers: Orphanet 182040, Orphanet 88, MedGen C0002874, MONDO:0015909, OMIM 609135, HP:0001915.
Microcephaly, normal intelligence and immunodeficiency (NBS). Also called: SEEMANOVA SYNDROME II; Nijmegen breakage syndrome; Microcephaly with normal intelligence immunodeficiency and lymphoreticular malignancies; Nonsyndromal microcephaly autosomal recessive with normal intelligence; Seemanova syndrome 2; BERLIN BREAKAGE SYNDROME. Identifiers: Orphanet 647, MedGen C0398791, MONDO:0009623, OMIM 251260.
Acute lymphoid leukemia (ALL). Also called: Acute lymphoblastic leukemia; Acute lymphocytic leukemia; Leukemia, acute lymphoblastic, somatic; Lymphoblastic leukemia. Identifiers: Orphanet 513, MedGen C0023449, MONDO:0004967, OMIM 613065, HP:0006721.
Hereditary cancer-predisposing syndrome. Also called: Tumor predisposition; Neoplastic Syndromes, Hereditary; Hereditary neoplastic syndrome; Hereditary Cancer Syndrome. Identifiers: Orphanet 140162, MedGen C0027672, MeSH D009386, MONDO:0015356.

Allele frequency attached by ClinVar (database versions not stated): gnomAD exomes below 0.00001; TOPMed below 0.00001; gnomAD 0.00001.
gnomAD v4.1: 2 of 1,613,896 alleles (0.00012%); highest among the groups gnomAD compares: Admixed American, 0.0033%; no homozygotes.

Submissions (9):

Labcorp Genetics (formerly Invitae), Labcorp
Classification: Pathogenic for Microcephaly, normal intelligence and immunodeficiency. Last evaluated: 2024-10-03. Review status: criteria provided, single submitter. Criteria: Invitae Variant Classification Sherloc (09022015). Collection method: clinical testing. Allele origin: germline.
Comment: This sequence change creates a premature translational stop signal (p.Leu281*) in the NBN gene. It is expected to result in an absent or disrupted protein product. Loss-of-function variants in NBN are known to be pathogenic (PMID: 9590180, 16415040). This variant is present in population databases (rs786205135, gnomAD 0.003%). This premature translational stop signal has been observed in individual(s) with Nijmegen breakagesyndrome (PMID: 25677497). ClinVar contains an entry for this variant (Variation ID: 190228). For these reasons, this variant has been classified as Pathogenic.

Baylor Genetics
Classification: Pathogenic for Aplastic anemia. Last evaluated: 2024-03-21. Review status: criteria provided, single submitter. Criteria: ACMG Guidelines, 2015. Collection method: clinical testing. Allele origin: unknown.

Fulgent Genetics
Classification: Pathogenic for Microcephaly, normal intelligence and immunodeficiency; Aplastic anemia; Acute lymphoid leukemia. Last evaluated: 2024-01-15. Review status: criteria provided, single submitter. Criteria: ACMG Guidelines, 2015. Collection method: clinical testing. Allele origin: germline.

PreventionGenetics, part of Exact Sciences
Classification: Pathogenic for NBN-related condition. Last evaluated: 2023-03-22. Review status: criteria provided, single submitter. Criteria: ACMG Guidelines, 2015. Collection method: clinical testing. Allele origin: germline.
Comment: The NBN c.842T>G variant is predicted to result in premature protein termination (p.Leu281*). This variant has been reported in the compound heterozygous state in an individual with Nijmegen breakage syndrome (Patel et al. 2015. PubMed ID: 25677497). Analysis of patient-derived lymphocytes indicated the absence of NBN protein expression (Patel et al. 2015. PubMed ID: 25677497). This variant is reported in 1 of 251,000 alleles in gnomAD (Table E3, Hu et al. 2018. PubMed ID: 29922827). Nonsense variants in NBN are expected to be pathogenic. This variant is interpreted as pathogenic.

Ambry Genetics
Classification: Pathogenic for Hereditary cancer-predisposing syndrome. Last evaluated: 2022-03-29. Review status: criteria provided, single submitter. Criteria: Ambry Variant Classification Scheme 2023. Collection method: clinical testing. Allele origin: germline.
Comment: The p.L281* variant (also known as c.842T>G), located in coding exon 7 of the NBN gene, results from a T to G substitution at nucleotide position 842. This changes the amino acid from a leucine to a stop codon within coding exon 7. This variant was reported in the compound heterozygous state in a patient with low T-cell receptor excision circles and non-severe combined immunodeficiency T lymphopenia, who underwent whole exome sequencing and was diagnosed with Nijmegen Breakage syndrome (Patel JP et al. J. Clin. Immunol. 2015 Feb;35:227-33). In addition to the clinical data presented in the literature, this alteration is expected to result in loss of function by premature protein truncation or nonsense-mediated mRNA decay. As such, this alteration is interpreted as a disease-causing mutation.

Genome-Nilou Lab
Classification: Pathogenic for Microcephaly, normal intelligence and immunodeficiency. Last evaluated: 2021-11-07. Review status: criteria provided, single submitter. Criteria: ACMG Guidelines, 2015. Collection method: clinical testing. Allele origin: germline. Affected: no.

Women's Health and Genetics/Laboratory Corporation of America, LabCorp
Classification: Pathogenic for Microcephaly, normal intelligence and immunodeficiency. Last evaluated: 2020-06-08. Review status: criteria provided, single submitter. Criteria: LabCorp Variant Classification Summary - May 2015. Collection method: clinical testing. Allele origin: germline.
Comment: Variant summary: NBN c.842T>G (p.Leu281X) results in a premature termination codon, predicted to cause a truncation of the encoded protein or absence of the protein due to nonsense mediated decay, which are commonly known mechanisms for disease. Truncations downstream of this position have been classified as pathogenic by our laboratory. The variant allele was found at a frequency of 4e-06 in 251318 control chromosomes (gnomAD). c.842T>G has been reported in the literature in a compound heterozygous individual affected with Nijmegen Breakage Syndrome (Patel_2015). Functional assessment of lymphoblastoid cell lines from the patient and controls provided confirmation that the variant is a null mutation that abrogated protein expression, and that his cells scored as radiosensitive. Three ClinVar submitters (evaluation after 2014) cite the variant as pathogenic. Based on the evidence outlined above, the variant was classified as pathogenic.

Natera, Inc.
Classification: Pathogenic for Nijmegen breakage syndrome. Last evaluated: 2020-09-16. Review status: no assertion criteria provided. Collection method: clinical testing. Allele origin: germline. Not counted in ClinVar's aggregate classification.

Innovations Lab, Hyderabad, Tata Consultancy Services Ltd
Classification: Pathogenic for Microcephaly, normal intelligence and immunodeficiency. Review status: no assertion criteria provided. Collection method: research. Allele origin: paternal. Inheritance: Autosomal recessive inheritance. Affected: no. Not counted in ClinVar's aggregate classification.
Comment: Genomic analysis revealed deleterious variants in the NBN gene. Confirmatory testing included Sanger sequencing and immunoblotting and radiosensitivity testing of patient lymphocytes.

Literature cited by the submitters: PubMed 9590180 (cited by Labcorp Genetics (formerly Invitae), Labcorp); PubMed 16415040 (cited by Labcorp Genetics (formerly Invitae), Labcorp); PubMed 25677497 (cited by 4 submitters); PubMed 29922827 (cited by Ambry Genetics).